The following is an entry in ClinVar:

ClinVar aggregate classification (germline): Uncertain significance (1 of 4 stars; one submission).

Submission:

Labcorp Genetics (formerly Invitae), Labcorp
Classification: Uncertain significance. Last evaluated: 2022-05-10. Review status: criteria provided, single submitter. Criteria: Invitae Variant Classification Sherloc (09022015). Collection method: clinical testing. Allele origin: germline.
Comment: In summary, the available evidence is currently insufficient to determine the role of this variant in disease. Therefore, it has been classified as a Variant of Uncertain Significance. Algorithms developed to predict the effect of missense changes on protein structure and function are either unavailable or do not agree on the potential impact of this missense change (SIFT: "Tolerated"; PolyPhen-2: "Probably Damaging"; Align-GVGD: "Class C0"). This variant has not been reported in the literature in individuals affected with SEMA4A-related conditions. This variant is not present in population databases (gnomAD no frequency). This sequence change replaces valine, which is neutral and non-polar, with leucine, which is neutral and non-polar, at codon 413 of the SEMA4A protein (p.Val413Leu).

NM_022367.4(SEMA4A):c.1237G>C (p.Val413Leu)

Gene: SEMA4A (semaphorin 4A; plus strand). Cytogenetic location: 1q22.
Variant type: single nucleotide variant.
Coding change: c.1237G>C on transcript NM_022367.4 (MANE Select); coding-DNA position 1237, G replaced by C.
Protein change: p.Val413Leu; replaces valine 413 with leucine.
Molecular consequence: missense variant.
Genome position (GRCh38, 1-based): chr1:156,172,928, G>C. VCF-style: chr1-156172928-G-C. GRCh37 (hg19) VCF-style: chr1-156142719-G-C.
Other names: c.1237G>C, p.Val413Leu (NM_001193300.2, NM_001193301.2, NM_001370567.1); c.841G>C, p.Val281Leu (NM_001193302.2); c.940G>C, p.Val314Leu (NM_001370568.1); c.730G>C, p.Val244Leu (NM_001370569.1, NM_001370571.1); short protein forms V244L, V413L, V281L, V314L.
Identifiers: ClinVar variation 2101568 (VCV002101568.4), dbSNP rs764520336, ClinGen allele CA342807223.